The following is an entry in ClinVar:

ClinVar aggregate classification (germline): Uncertain significance. Review status: criteria provided, multiple submitters, no conflicts (2 of 4 stars). 2 submissions from 2 submitters: Uncertain significance (2). Last evaluated 2024-09-06.

Allele frequency attached by ClinVar (database versions not stated): gnomAD exomes 0.00001 and 0.00004; ExAC 0.00005; TOPMed 0.00009; gnomAD 0.00012 and 0.00013; ESP Exome Variant Server 0.00023.

Submissions (2):

Labcorp Genetics (formerly Invitae), Labcorp
Classification: Uncertain significance. Last evaluated: 2024-09-06. Review status: criteria provided, single submitter. Criteria: Invitae Variant Classification Sherloc (09022015). Collection method: clinical testing. Allele origin: germline.
Comment: This sequence change replaces alanine, which is neutral and non-polar, with glycine, which is neutral and non-polar, at codon 31 of the TYRP1 protein (p.Ala31Gly). This variant is present in population databases (rs143705229, gnomAD 0.03%). This variant has not been reported in the literature in individuals affected with TYRP1-related conditions. ClinVar contains an entry for this variant (Variation ID: 1334516). Invitae Evidence Modeling of protein sequence and biophysical properties (such as structural, functional, and spatial information, amino acid conservation, physicochemical variation, residue mobility, and thermodynamic stability) indicates that this missense variant is not expected to disrupt TYRP1 protein function with a negative predictive value of 80%. In summary, the available evidence is currently insufficient to determine the role of this variant in disease. Therefore, it has been classified as a Variant of Uncertain Significance.

Greenwood Genetic Center Diagnostic Laboratories, Greenwood Genetic Center
Classification: Uncertain significance. Last evaluated: 2021-07-13. Review status: criteria provided, single submitter. Criteria: ACMG Guidelines, 2015. Collection method: clinical testing. Allele origin: germline. Affected: yes.
Comment: PM2

NM_000550.3(TYRP1):c.92C>G (p.Ala31Gly)

Gene: TYRP1 (tyrosinase related protein 1; plus strand). Cytogenetic location: 9p23.
Variant type: single nucleotide variant.
Coding change: c.92C>G on transcript NM_000550.3 (MANE Select); coding-DNA position 92, C replaced by G.
Protein change: p.Ala31Gly; replaces alanine 31 with glycine.
Molecular consequence: missense variant.
Genome position (GRCh38, 1-based): chr9:12,694,088, C>G. VCF-style: chr9-12694088-C-G. GRCh37 (hg19) VCF-style: chr9-12694088-C-G.
Other names: short protein forms A31G.
Identifiers: ClinVar variation 1334516 (VCV001334516.7), dbSNP rs143705229, ClinGen allele CA4985109.
Genomic context (GRCh38, chr9:12,694,088, plus strand): 5'-GTATCTTCTTCCCCTTGCTACTTTTTCAGCAGGCCCGGGCTCAATTCCCAAGACAGTGTG[C>G]CACTGTTGAGGCTTTGAGAAGTGGTATGTGTTGCCCAGACCTGTCCCCTGTGTCTGGGCC-3'
Protein context (NP_000541.1, residues 21-41): QARAQFPRQC[Ala31Gly]TVEALRSGMC